The following is an entry in ClinVar:

NC_000014.8:g.(?_102915956)_(102918974_?)dup

Gene: TECPR2 (tectonin beta-propeller repeat containing 2; plus strand). Cytogenetic location: 14q32.31.
Variant type: Duplication.
Identifiers: ClinVar variation 1519457 (VCV001519457.5).

ClinVar aggregate classification (germline): Likely pathogenic (1 of 4 stars; one submission).

Conditions:
Hereditary spastic paraplegia 49 (HSAN9). Also called: Spastic paraplegia 49, autosomal recessive; TECPR2-Related Hereditary Sensory and Autonomic Neuropathy with Intellectual Disability; NEUROPATHY, HEREDITARY SENSORY AND AUTONOMIC, TYPE IX, WITH DEVELOPMENTAL DELAY. Identifiers: Orphanet 320385, MedGen C5190860, MONDO:0014016, OMIM 615031.

Submission:

Labcorp Genetics (formerly Invitae), Labcorp
Classification: Likely pathogenic for Hereditary spastic paraplegia 49. Last evaluated: 2021-08-11. Review status: criteria provided, single submitter. Criteria: Invitae Variant Classification Sherloc (09022015). Collection method: clinical testing. Allele origin: germline.
Comment: This variant results in a copy number gain of the genomic region encompassing exon(s) 14-16 of the TECPR2 gene. While the exact position of this variant cannot be determined from the data, sub-genic copy number gains are generally in tandem (PMID: 25640679). This variant is predicted to be out-of-frame, and may result in an absent or disrupted protein product. Loss-of-function variants in TECPR2 are known to be pathogenic (PMID: 23176824, 25590979). This variant has not been reported in the literature in individuals affected with TECPR2-related conditions. In summary, the currently available evidence indicates that the variant is pathogenic, but additional data are needed to prove that conclusively. Therefore, this variant has been classified as Likely Pathogenic.

Literature cited by the submitters: PubMed 25640679; PubMed 23176824; PubMed 25590979.